The following is an entry in ClinVar:

ClinVar aggregate classification (germline): Uncertain significance (1 of 4 stars; one submission).

Conditions:
Developmental and epileptic encephalopathy, 31A. Also called: Epileptic encephalopathy, early infantile, 31; Developmental and epileptic encephalopathy, 31. Identifiers: Orphanet 2382, MedGen C4225357, MONDO:0014598, OMIM 616346.

Submission:

Labcorp Genetics (formerly Invitae), Labcorp
Classification: Uncertain significance for Developmental and epileptic encephalopathy, 31A. Last evaluated: 2022-08-05. Review status: criteria provided, single submitter. Criteria: Invitae Variant Classification Sherloc (09022015). Collection method: clinical testing. Allele origin: germline.
Comment: In summary, the available evidence is currently insufficient to determine the role of this variant in disease. Therefore, it has been classified as a Variant of Uncertain Significance. Advanced modeling of protein sequence and biophysical properties (such as structural, functional, and spatial information, amino acid conservation, physicochemical variation, residue mobility, and thermodynamic stability) performed at Invitae indicates that this missense variant is not expected to disrupt DNM1 protein function. This variant has not been reported in the literature in individuals affected with DNM1-related conditions. This variant is not present in population databases (gnomAD no frequency). This sequence change replaces asparagine, which is neutral and polar, with serine, which is neutral and polar, at codon 837 of the DNM1 protein (p.Asn837Ser).

NM_004408.4(DNM1):c.2510A>G (p.Asn837Ser)

Gene: DNM1 (dynamin 1; plus strand). Cytogenetic location: 9q34.11.
Variant type: single nucleotide variant.
Coding change: c.2510A>G on transcript NM_004408.4 (MANE Select); coding-DNA position 2510, A replaced by G.
Protein change: p.Asn837Ser; replaces asparagine 837 with serine.
Molecular consequence: missense variant.
Genome position (GRCh38, 1-based): chr9:128,250,916, A>G. VCF-style: chr9-128250916-A-G. GRCh37 (hg19) VCF-style: chr9-131013195-A-G.
Other names: c.2510A>G, p.Asn837Ser (NM_001005336.3, NM_001288737.2, NM_001288738.2 and 2 more transcripts); short protein forms N837S.
Identifiers: ClinVar variation 1948703 (VCV001948703.5), dbSNP rs1205305266, ClinGen allele CA375002017.
Genomic context (GRCh38, chr9:128,250,916, plus strand): 5'-CCAGGCCGGGGGCTTCCCCTGACCCTTTCGGCCCTCCCCCTCAGGTGCCCTCGCGCCCCA[A>G]CCGCGCCCCGCCCGGGGTCCCCAGGTGAGTAGGGGCTGAATGCGGCTGGAGAGGCTGCCG-3'
Protein context (NP_004399.2, residues 827-847): GPPPQVPSRP[Asn837Ser]RAPPGVPSRS